The following is an entry in ClinVar:

ClinVar aggregate classification (germline): Likely benign. Review status: criteria provided, multiple submitters, no conflicts (2 of 4 stars). 2 submissions from 2 submitters: Likely benign (2). Last evaluated 2026-08-14.

Conditions:
SDCCAG8-related disorder. Also called: SDCCAG8-related condition; SDCCAG8-Related Disorders.
Bardet-Biedl syndrome 16 (BBS16). Identifiers: Orphanet 110, MedGen C3889474, MONDO:0014444, OMIM 615993.
Senior-Loken syndrome 7 (SLSN7). Identifiers: Orphanet 3156, MedGen C3150877, MONDO:0013326, OMIM 613615.

Allele frequency attached by ClinVar (database versions not stated): gnomAD exomes 0.00001.
gnomAD v4.1: 8 of 1,614,248 alleles (0.0005%); highest among the groups gnomAD compares: Admixed American, 0.0017%; no homozygotes.

Submissions (2):

PreventionGenetics, part of Exact Sciences
Classification: Likely benign for SDCCAG8-related condition. Last evaluated: 2026-08-14. Review status: criteria provided, single submitter. Criteria: ACMG Guidelines, 2015. Collection method: clinical testing. Allele origin: germline.
Comment: This variant is classified as likely benign based on ACMG/AMP sequence variant interpretation guidelines (Richards et al. 2015 PMID: 25741868, with internal and published modifications).

Labcorp Genetics (formerly Invitae), Labcorp
Classification: Likely benign for Bardet-Biedl syndrome 16; Senior-Loken syndrome 7. Last evaluated: 2021-12-24. Review status: criteria provided, single submitter. Criteria: Invitae Variant Classification Sherloc (09022015). Collection method: clinical testing. Allele origin: germline.

NM_006642.5(SDCCAG8):c.1014A>G (p.Glu338=)

Gene: SDCCAG8 (SHH signaling and ciliogenesis regulator SDCCAG8; plus strand). Cytogenetic location: 1q43.
Variant type: single nucleotide variant.
Coding change: c.1014A>G on transcript NM_006642.5 (MANE Select); coding-DNA position 1014, A replaced by G.
Protein change: p.Glu338=; no amino-acid change (glutamic acid 338 retained).
Molecular consequence: synonymous variant.
Genome position (GRCh38, 1-based): chr1:243,316,839, A>G. VCF-style: chr1-243316839-A-G. GRCh37 (hg19) VCF-style: chr1-243480141-A-G.
Other names: c.1014A>G (NM_006642.3); c.111A>G, p.Glu37= (NM_001350246.2, NM_001350247.2, NM_001350251.2); c.1110A>G, p.Glu370= (NM_001350248.2); c.720A>G, p.Glu240= (NM_001350249.2).
Identifiers: ClinVar variation 2056341 (VCV002056341.5), dbSNP rs1273356500, ClinGen allele CA424105462.